The following is an entry in ClinVar:

NM_000540.3(RYR1):c.7886_7888dup (p.Asp2629_Val2630insAsp)

Gene: RYR1 (ryanodine receptor 1; plus strand). Cytogenetic location: 19q13.2.
Variant type: Duplication.
Coding change: c.7886_7888dup on transcript NM_000540.3 (MANE Select); coding-DNA positions 7886 to 7888, 3 bases duplicated (ACG; older notation c.7886_7888dupACG).
Protein change: p.Asp2629_Val2630insAsp.
Molecular consequence: inframe insertion.
Genome position (GRCh38, 1-based): chr19:38,502,930-38,502,932, ACG duplicated; duplicating any 3 consecutive bases within chr19:38,502,928-38,502,932 gives the same sequence; the c. name uses the placement nearest the transcript's 3' end. VCF-style (leftmost placement, unchanged base first): chr19-38502927-T-TCGA. GRCh37 (hg19) VCF-style: chr19-38993567-T-TCGA.
Other names: c.7886_7888dup, p.Asp2629_Val2630insAsp (NM_001042723.2).
Identifiers: ClinVar variation 3071628 (VCV003071628.1), dbSNP rs2514343682, ClinGen allele CA2825002790.

ClinVar aggregate classification (germline): Uncertain significance (1 of 4 stars; one submission).

Conditions:
Malignant hyperthermia, susceptibility to, 1 (MHS1). Also called: Anesthesia related hyperthermia; Malignant hyperpyrexia; Fulminating hyperpyrexia; Pharmacogenic myopathy; RYR1-Related Malignant Hyperthermia Susceptibility; Malignant hyperthermia suceptibility 1. Identifiers: Orphanet 423, MedGen C2930980, MONDO:0007783, OMIM 145600.

Submission:

All of Us Research Program, National Institutes of Health
Classification: Uncertain significance for Malignant hyperthermia, susceptibility to, 1. Last evaluated: 2023-06-08. Review status: criteria provided, single submitter. Criteria: ACMG Guidelines, 2015. Collection method: clinical testing. Allele origin: germline. Inheritance: Autosomal dominant inheritance. Observed: 1 variant allele, 1 heterozygote.
Comment: This variant duplicates three nucleotides resulting in an in-frame insertion of one amino acid in the RYR1 protein. To our knowledge, functional studies have not been reported for this variant. This variant has not been reported in individuals affected with RYR1-related disorders in the literature. This variant has not been identified in the general population by the Genome Aggregation Database (gnomAD). The available evidence is insufficient to determine the role of this variant in disease conclusively. Therefore, this variant is classified as a Variant of Uncertain Significance.

This study involves interpretation of variants in research participants for the purpose of population health screening. Participant phenotype was not available at the time of variant classification. Additional details can be found in publication PMID: 35346344, PMCID: PMC8962531